The following is an entry in ClinVar:

NM_006206.6(PDGFRA):c.1377A>T (p.Glu459Asp)

Gene: PDGFRA (platelet derived growth factor receptor alpha; plus strand). Cytogenetic location: 4q12.
Variant type: single nucleotide variant.
Coding change: c.1377A>T on transcript NM_006206.6 (MANE Select); coding-DNA position 1377, A replaced by T.
Protein change: p.Glu459Asp; replaces glutamic acid 459 with aspartic acid.
Molecular consequence: missense variant.
Genome position (GRCh38, 1-based): chr4:54,273,549, A>T. VCF-style: chr4-54273549-A-T. GRCh37 (hg19) VCF-style: chr4-55139716-A-T.
Other names: c.1377A>T, p.Glu459Asp (NM_001347827.2, NM_001347829.2); c.1452A>T, p.Glu484Asp (NM_001347828.2); c.1416A>T, p.Glu472Asp (NM_001347830.2); short protein forms E459D, E472D, E484D.
Identifiers: ClinVar variation 850371 (VCV000850371.10), dbSNP rs947086492, ClinGen allele CA356892442.

ClinVar aggregate classification (germline): Uncertain significance (1 of 4 stars; one submission).

Conditions:
Gastrointestinal stromal tumor. Also called: Gastrointestinal stromal tumor, somatic; Gastrointestinal stroma tumor. Identifiers: Orphanet 44890, MedGen C0238198, MeSH D046152, MONDO:0011719, OMIM 606764, HP:0100723.

Submission:

Labcorp Genetics (formerly Invitae), Labcorp
Classification: Uncertain significance for Gastrointestinal stromal tumor. Last evaluated: 2019-02-25. Review status: criteria provided, single submitter. Criteria: Invitae Variant Classification Sherloc (09022015). Collection method: clinical testing. Allele origin: germline.
Comment: In summary, the available evidence is currently insufficient to determine the role of this variant in disease. Therefore, it has been classified as a Variant of Uncertain Significance. Algorithms developed to predict the effect of missense changes on protein structure and function output the following: SIFT: "Tolerated"; PolyPhen-2: "Benign"; Align-GVGD: "Class C0". The aspartic acid amino acid residue is found in multiple mammalian species, suggesting that this missense change does not adversely affect protein function. These predictions have not been confirmed by published functional studies and their clinical significance is uncertain. This variant has not been reported in the literature in individuals with PDGFRA-related conditions. This variant is not present in population databases (ExAC no frequency). This sequence change replaces glutamic acid with aspartic acid at codon 459 of the PDGFRA protein (p.Glu459Asp). The glutamic acid residue is moderately conserved and there is a small physicochemical difference between glutamic acid and aspartic acid.